The following is an entry in ClinVar:

NM_000515.5(GH1):c.-60G>C

Genes: GH-LCR (growth hormone locus control region; plus strand), GH1 (growth hormone 1; minus strand). Cytogenetic location: 17q23.3.
Variant type: single nucleotide variant.
Coding change: c.-60G>C on transcript NM_000515.5 (MANE Select); 60 bases upstream of the start codon, G replaced by C.
Molecular consequence: 5 prime UTR variant.
Genome position (GRCh38, 1-based): chr17:63,918,836, C>G on the plus strand (G>C on the coding strand, the complement: GH1 is on the minus strand). VCF-style: chr17-63918836-C-G. GRCh37 (hg19) VCF-style: chr17-61996196-C-G.
Other names: c.-60G>C (NM_022559.4, NM_022560.4).
Identifiers: ClinVar variation 324462 (VCV000324462.7), dbSNP rs6175, ClinGen allele CA10640186.

ClinVar aggregate classification (germline): Benign. Review status: criteria provided, multiple submitters, no conflicts (2 of 4 stars). 3 submissions from 3 submitters: Benign (3). Last evaluated 2021-06-20.

Conditions:
Decreased response to growth hormone stimulation test. Also called: Growth hormone deficiency. Identifiers: MedGen C5539399, HP:0000824.

Allele frequency attached by ClinVar (database versions not stated): ESP Exome Variant Server 0.05388; gnomAD 0.05550; 1000 Genomes Project 0.06270; TOPMed 0.06554; 1000 Genomes Project 30x 0.06715.
gnomAD v4.1: 26,049 of 1,611,500 alleles (1.6%); highest among the groups gnomAD compares: African/African-American, 18%; 1,421 homozygotes.

Submissions (3):

GeneDx
Classification: Benign. Last evaluated: 2021-06-20. Review status: criteria provided, single submitter. Criteria: GeneDx Variant Classification Process June 2021. Collection method: clinical testing. Allele origin: germline. Affected: yes.

Illumina Laboratory Services, Illumina
Classification: Benign for Growth hormone deficiency. Last evaluated: 2018-01-13. Review status: criteria provided, single submitter. Criteria: ICSL Variant Classification Criteria 13 December 2019. Collection method: clinical testing. Allele origin: germline.
Comment: This variant was observed in the ICSL laboratory as part of a predisposition screen in an ostensibly healthy population. It had not been previously curated by ICSL or reported in the Human Gene Mutation Database (HGMD: prior to June 1st, 2018), and was therefore a candidate for classification through an automated scoring system. Utilizing variant allele frequency, disease prevalence and penetrance estimates, and inheritance mode, an automated score was calculated to assess if this variant is too frequent to cause the disease. Based on the score and internal cut-off values, a variant classified as benign is not then subjected to further curation. The score for this variant resulted in a classification of benign for this disease.

Breakthrough Genomics
Classification: Benign. Review status: criteria provided, single submitter. Criteria: ACMG Guidelines, 2015. Collection method: not provided. Allele origin: germline. Inheritance: Autosomal recessive inheritance. Affected: yes.